The following is an entry in ClinVar:

NM_173495.3(PTCHD1):c.194T>C (p.Ile65Thr)

Gene: PTCHD1 (patched domain containing 1; plus strand). Cytogenetic location: Xp22.11.
Variant type: single nucleotide variant.
Coding change: c.194T>C on transcript NM_173495.3 (MANE Select); coding-DNA position 194, T replaced by C.
Protein change: p.Ile65Thr; replaces isoleucine 65 with threonine.
Molecular consequence: missense variant.
Genome position (GRCh38, 1-based): chrX:23,335,069, T>C. VCF-style: chrX-23335069-T-C. GRCh37 (hg19) VCF-style: chrX-23353186-T-C.
Other names: short protein forms I65T.
Identifiers: ClinVar variation 3774736 (VCV003774736.1).

ClinVar aggregate classification (germline): Uncertain significance (1 of 4 stars; one submission).

Submission:

GeneDx
Classification: Uncertain significance. Last evaluated: 2024-09-27. Review status: criteria provided, single submitter. Criteria: GeneDx Variant Classification Process June 2021. Collection method: clinical testing. Allele origin: germline. Affected: yes.
Comment: Not observed at significant frequency in large population cohorts (gnomAD); In silico analysis indicates that this missense variant does not alter protein structure/function; Has not been previously published as pathogenic or benign to our knowledge